The following is an entry in ClinVar:

ClinVar aggregate classification (germline): Uncertain significance (1 of 4 stars; one submission).

Conditions:
Neuromuscular disease caused by qualitative or quantitative defects of dysferlin. Also called: Qualitative or quantitative defects of dysferlin; Dysferlinopathy. Identifiers: Orphanet 207073, MedGen C2931687, MONDO:0016145.

Allele frequency attached by ClinVar (database versions not stated): TOPMed 0.00002; ExAC 0.00007; ESP Exome Variant Server 0.00008.
gnomAD v4.1: 17 of 1,614,016 alleles (0.0011%); highest among the groups gnomAD compares: South Asian, 0.0033%; no homozygotes.

Submission:

Labcorp Genetics (formerly Invitae), Labcorp
Classification: Uncertain significance for Neuromuscular disease caused by qualitative or quantitative defects of dysferlin. Last evaluated: 2022-06-04. Review status: criteria provided, single submitter. Criteria: Invitae Variant Classification Sherloc (09022015). Collection method: clinical testing. Allele origin: germline.
Comment: This sequence change replaces proline, which is neutral and non-polar, with alanine, which is neutral and non-polar, at codon 1399 of the DYSF protein (p.Pro1399Ala). This variant is present in population databases (rs376134165, gnomAD 0.007%). This variant has not been reported in the literature in individuals affected with DYSF-related conditions. ClinVar contains an entry for this variant (Variation ID: 658508). Advanced modeling of protein sequence and biophysical properties (such as structural, functional, and spatial information, amino acid conservation, physicochemical variation, residue mobility, and thermodynamic stability) performed at Invitae indicates that this missense variant is expected to disrupt DYSF protein function. In summary, the available evidence is currently insufficient to determine the role of this variant in disease. Therefore, it has been classified as a Variant of Uncertain Significance.

NM_001130987.2(DYSF):c.4249C>G (p.Pro1417Ala)

Gene: DYSF (dysferlin; plus strand). Cytogenetic location: 2p13.2.
Variant type: single nucleotide variant.
Coding change: c.4249C>G on transcript NM_001130987.2 (MANE Select); coding-DNA position 4249, C replaced by G.
Protein change: p.Pro1417Ala; replaces proline 1417 with alanine.
Molecular consequence: missense variant.
Genome position (GRCh38, 1-based): chr2:71,612,668, C>G. VCF-style: chr2-71612668-C-G. GRCh37 (hg19) VCF-style: chr2-71839798-C-G.
Other names: c.4198C>G, p.Pro1400Ala (NM_001130455.2, NM_001130983.2); c.4153C>G, p.Pro1385Ala (NM_001130976.2, NM_001130977.2); c.4195C>G, p.Pro1399Ala (NM_001130978.2, NM_003494.4); c.4288C>G, p.Pro1430Ala (NM_001130979.2); c.4246C>G, p.Pro1416Ala (NM_001130980.2, NM_001130981.2); c.4291C>G, p.Pro1431Ala (NM_001130982.2); c.4156C>G, p.Pro1386Ala (NM_001130984.2, NM_001130986.2); c.4249C>G, p.Pro1417Ala (NM_001130985.2); short protein forms P1385A, P1431A, P1386A, P1399A, P1400A, P1416A, P1417A, P1430A.
Identifiers: ClinVar variation 658508 (VCV000658508.6), dbSNP rs376134165, ClinGen allele CA1706941.
Genomic context (GRCh38, chr2:71,612,668, plus strand): 5'-TTCAGGCCAGTGCGTTCTTCCTCCTCCACCCAGATGCTGCCCAGGGAGGAGCTCTACTGC[C>G]CCCCCATCACCGTCAAGGTCATCGATAACCGCCAGTTTGGCCGCCGGCCTGTGGTGGGCC-3'
Protein context (NP_001124459.1, residues 1407-1427): VMLPREELYC[Pro1417Ala]PITVKVIDNR